The following is an entry in ClinVar:

NM_007294.4(BRCA1):c.5153-27A>T

Gene: BRCA1 (BRCA1 DNA repair associated; minus strand). Cytogenetic location: 17q21.31.
Variant type: single nucleotide variant.
Coding change: c.5153-27A>T on transcript NM_007294.4 (MANE Select); 27 bases into the intron before coding-DNA position 5153, A replaced by T.
Molecular consequence: intron variant.
Genome position (GRCh38, 1-based): chr17:43,063,400, T>A on the plus strand (A>T on the coding strand, the complement: BRCA1 is on the minus strand). VCF-style: chr17-43063400-T-A. GRCh37 (hg19) VCF-style: chr17-41215417-T-A.
Other names: c.4766-27A>T (NM_001407963.1); c.1460-27A>T (NM_001408511.1); c.1703-27A>T (NM_001408457.1, NM_001408454.1, NM_001408456.1 and 3 more transcripts); c.5012-27A>T (NM_001407692.1, NM_001407729.1, NM_001407698.1 and 13 more transcripts); c.4769-27A>T (NM_001407960.1, NM_001407962.1); c.1574-27A>T (NM_001408505.1); c.4691-27A>T (NM_001407964.1); c.5006-27A>T (NM_001407844.1, NM_001407851.1, NM_001407849.1 and 12 more transcripts); and 72 more.
Identifiers: ClinVar variation 867718 (VCV000867718.3), dbSNP rs2051878734, ClinGen allele CA916080104.
Genomic context (GRCh38, chr17:43,063,400, plus strand): 5'-AGCATTTTTCTTTCTTTAATAGACTGGGTCACCCCTAAAGAGATCATAGAAAAGACAGGT[T>A]ACATACAGCAGAAGAACGTGCTCTTTTCACGGAGATAGAGAGGTCAGCGATTCACAAAAG-3'

Conditions:
Breast-ovarian cancer, familial, susceptibility to, 1 (BROVCA1). Also called: BRCA1 Hereditary Breast and Ovarian Cancer; OVARIAN CANCER, SUSCEPTIBILITY TO. Identifiers: Orphanet 145, MedGen C2676676, MONDO:0011450, OMIM 604370. Disease mechanism: loss of function.

Submission:

Brotman Baty Institute, University of Washington
No classification provided (evidence only). Condition: Breast-ovarian cancer, familial 1. Review status: no classification provided. Collection method: in vitro. Allele origin: not applicable. Functional consequence: functionally_normal.
ClinVar note: "not provided" was previously submitted as the classification for the variant. However, the classification appeared to be based only on an observation of functional data so it was converted to no classification on 2025-07-30.